The following is an entry in ClinVar:

ClinVar aggregate classification (germline): Uncertain significance. Review status: criteria provided, multiple submitters, no conflicts (2 of 4 stars). 4 submissions from 4 submitters: Uncertain significance (4). Last evaluated 2025-10-13.

Conditions:
Cardiovascular phenotype. Identifiers: MedGen CN230736.
Hypercholesterolemia, familial, 4 (FHCL4). Also called: HYPERCHOLESTEROLEMIA, AUTOSOMAL RECESSIVE, 1; HYPERCHOLESTEROLEMIA, AUTOSOMAL RECESSIVE, 2. Identifiers: Orphanet 391665, MedGen C1863512, MONDO:0011374, OMIM 603813.

Allele frequency attached by ClinVar (database versions not stated): ExAC 0.00001; gnomAD exomes 0.00001; gnomAD 0.00009; TOPMed 0.00012; ESP Exome Variant Server 0.00015; 1000 Genomes Project 30x 0.00016; 1000 Genomes Project 0.00020.
gnomAD v4.1: 23 of 1,614,126 alleles (0.0014%); highest among the groups gnomAD compares: African/African-American, 0.031%; no homozygotes.

Submissions (4):

Women's Health and Genetics/Laboratory Corporation of America, LabCorp
Classification: Uncertain significance. Last evaluated: 2025-10-13. Review status: criteria provided, single submitter. Criteria: LabCorp Variant Classification Summary - May 2015. Collection method: clinical testing. Allele origin: germline.
Comment: Variant summary: LDLRAP1 c.467C>T (p.Ala156Val) results in a non-conservative amino acid change in the encoded protein sequence. Algorithms developed to predict the effect of missense changes on protein structure and function are either unavailable or do not agree on the potential impact of this missense change. The variant allele was found at a frequency of 8e-06 in 251458 control chromosomes. The available data on variant occurrences in the general population are insufficient to allow any conclusion about variant significance. To our knowledge, no occurrence of c.467C>T in individuals affected with LDLRAP1-related conditions and no experimental evidence demonstrating its impact on protein function have been reported. ClinVar contains an entry for this variant (Variation ID: 1742385). Based on the evidence outlined above, the variant was classified as uncertain significance.

Ambry Genetics
Classification: Uncertain significance for Cardiovascular phenotype. Last evaluated: 2024-10-27. Review status: criteria provided, single submitter. Criteria: Ambry Variant Classification Scheme 2023. Collection method: clinical testing. Allele origin: germline.
Comment: The p.A156V variant (also known as c.467C>T), located in coding exon 5 of the LDLRAP1 gene, results from a C to T substitution at nucleotide position 467. The alanine at codon 156 is replaced by valine, an amino acid with similar properties. This amino acid position is highly conserved in available vertebrate species. In addition, the in silico prediction for this alteration is inconclusive. Since supporting evidence is limited at this time, the clinical significance of this alteration remains unclear.

Genome-Nilou Lab
Classification: Uncertain significance for Hypercholesterolemia, familial, 4. Last evaluated: 2023-04-11. Review status: criteria provided, single submitter. Criteria: ACMG Guidelines, 2015. Collection method: clinical testing. Allele origin: germline. Affected: no.

Labcorp Genetics (formerly Invitae), Labcorp
Classification: Uncertain significance for Hypercholesterolemia, familial, 4. Last evaluated: 2021-09-17. Review status: criteria provided, single submitter. Criteria: Invitae Variant Classification Sherloc (09022015). Collection method: clinical testing. Allele origin: germline.
Comment: This sequence change replaces alanine with valine at codon 156 of the LDLRAP1 protein (p.Ala156Val). The alanine residue is highly conserved and there is a small physicochemical difference between alanine and valine. This variant is present in population databases (rs373907530, ExAC 0.01%). This variant has not been reported in the literature in individuals with LDLRAP1-related conditions. Algorithms developed to predict the effect of missense changes on protein structure and function (SIFT, PolyPhen-2, Align-GVGD) all suggest that this variant is likely to be disruptive, but these predictions have not been confirmed by published functional studies and their clinical significance is uncertain. Algorithms developed to predict the effect of sequence changes on RNA splicing suggest that this variant may create or strengthen a splice site, but this prediction has not been confirmed by published transcriptional studies. In summary, the available evidence is currently insufficient to determine the role of this variant in disease. Therefore, it has been classified as a Variant of Uncertain Significance.

NM_015627.3(LDLRAP1):c.467C>T (p.Ala156Val)

Gene: LDLRAP1 (low density lipoprotein receptor adaptor protein 1; plus strand). Cytogenetic location: 1p36.11.
Variant type: single nucleotide variant.
Coding change: c.467C>T on transcript NM_015627.3 (MANE Select); coding-DNA position 467, C replaced by T.
Protein change: p.Ala156Val; replaces alanine 156 with valine.
Molecular consequence: missense variant.
Genome position (GRCh38, 1-based): chr1:25,562,651, C>T. VCF-style: chr1-25562651-C-T. GRCh37 (hg19) VCF-style: chr1-25889142-C-T.
Other names: short protein forms A156V.
Identifiers: ClinVar variation 1742385 (VCV001742385.7), dbSNP rs373907530, ClinGen allele CA695581.
Genomic context (GRCh38, chr1:25,562,651, plus strand): 5'-GCTCTGCCCTGGCTGACACTGCACCCCTCCCCATCCCCACTTCCTGTTTTCAGGCACAGG[C>T]TGTTACCCTCACCGTAGCCCAGGCCTTCAAAGTCGCCTTTGAGTTTTGGCAGGTGTCCAA-3'
Protein context (NP_056442.2, residues 146-166): FLCTKRKMAQ[Ala156Val]VTLTVAQAFK